The following is an entry in ClinVar:

NM_002240.5(KCNJ6):c.773C>T (p.Thr258Met)

Genes: KCNJ6 (potassium inwardly rectifying channel subfamily J member 6; minus strand), KCNJ6-AS1 (KCNJ6 antisense RNA 1; plus strand). Cytogenetic location: 21q22.13.
Variant type: single nucleotide variant.
Coding change: c.773C>T on transcript NM_002240.5 (MANE Select); coding-DNA position 773, C replaced by T.
Protein change: p.Thr258Met; replaces threonine 258 with methionine.
Molecular consequence: missense variant.
Genome position (GRCh38, 1-based): chr21:37,714,384, G>A on the plus strand (C>T on the coding strand, the complement: KCNJ6 is on the minus strand). VCF-style: chr21-37714384-G-A. GRCh37 (hg19) VCF-style: chr21-39086687-G-A.
Other names: short protein forms T258M.
Identifiers: ClinVar variation 1442847 (VCV001442847.6), dbSNP rs1273885204, ClinGen allele CA409968050.

ClinVar aggregate classification (germline): Uncertain significance (1 of 4 stars; one submission).

Allele frequency attached by ClinVar (database versions not stated): gnomAD exomes 0.00001.
gnomAD v4.1: 9 of 1,614,078 alleles (0.00056%); highest among the groups gnomAD compares: East Asian, 0.0067%; no homozygotes.

Submission:

Labcorp Genetics (formerly Invitae), Labcorp
Classification: Uncertain significance. Last evaluated: 2022-07-19. Review status: criteria provided, single submitter. Criteria: Invitae Variant Classification Sherloc (09022015). Collection method: clinical testing. Allele origin: germline.
Comment: This sequence change replaces threonine, which is neutral and polar, with methionine, which is neutral and non-polar, at codon 258 of the KCNJ6 protein (p.Thr258Met). This variant is not present in population databases (gnomAD no frequency). This variant has not been reported in the literature in individuals affected with KCNJ6-related conditions. ClinVar contains an entry for this variant (Variation ID: 1442847). Algorithms developed to predict the effect of missense changes on protein structure and function are either unavailable or do not agree on the potential impact of this missense change (SIFT: "Tolerated"; PolyPhen-2: "Probably Damaging"; Align-GVGD: "Class C0"). In summary, the available evidence is currently insufficient to determine the role of this variant in disease. Therefore, it has been classified as a Variant of Uncertain Significance.